The following is an entry in ClinVar:

ClinVar aggregate classification (germline): Uncertain significance. Review status: criteria provided, multiple submitters, no conflicts (2 of 4 stars). 5 submissions from 4 submitters: Uncertain significance (5). Last evaluated 2025-07-01.

Conditions:
Amyotrophic lateral sclerosis type 4 (ALS4). Also called: NEURONOPATHY, DISTAL HEREDITARY MOTOR, WITH PYRAMIDAL FEATURES; AMYOTROPHIC LATERAL SCLEROSIS 4, JUVENILE. Identifiers: Orphanet 357043, MedGen C1865409, MONDO:0011223, OMIM 602433.
Spinocerebellar ataxia, autosomal recessive, with axonal neuropathy 2 (SCAN2). Also called: Ataxia-ocular apraxia-2; Ataxia with Oculomotor Apraxia; ATAXIA-OCULOMOTOR APRAXIA 2; Ataxia with Oculomotor Apraxia Type 2. Identifiers: Orphanet 64753, MedGen C1853761, MONDO:0018996, OMIM 606002.
Inborn genetic diseases. Identifiers: MedGen C0950123, MeSH D030342.

Allele frequency attached by ClinVar (database versions not stated): TOPMed below 0.00001; gnomAD exomes 0.00001.
gnomAD v4.1: 17 of 1,614,026 alleles (0.0011%); highest among the groups gnomAD compares: Non-Finnish European, 0.0013%; no homozygotes.

Submissions (5):

Labcorp Genetics (formerly Invitae), Labcorp
Classification: Uncertain significance for Amyotrophic lateral sclerosis type 4; Spinocerebellar ataxia, autosomal recessive, with axonal neuropathy 2. Last evaluated: 2025-07-01. Review status: criteria provided, single submitter. Criteria: Invitae Variant Classification Sherloc (09022015). Collection method: clinical testing. Allele origin: germline.
Comment: This sequence change replaces alanine, which is neutral and non-polar, with threonine, which is neutral and polar, at codon 2459 of the SETX protein (p.Ala2459Thr). This variant is not present in population databases (gnomAD no frequency). This variant has not been reported in the literature in individuals affected with SETX-related conditions. ClinVar contains an entry for this variant (Variation ID: 913872). Invitae Evidence Modeling of protein sequence and biophysical properties (such as structural, functional, and spatial information, amino acid conservation, physicochemical variation, residue mobility, and thermodynamic stability) indicates that this missense variant is not expected to disrupt SETX protein function with a negative predictive value of 95%. In summary, the available evidence is currently insufficient to determine the role of this variant in disease. Therefore, it has been classified as a Variant of Uncertain Significance.

Ambry Genetics
Classification: Uncertain significance for Inborn genetic diseases. Last evaluated: 2025-01-23. Review status: criteria provided, single submitter. Criteria: Ambry Variant Classification Scheme 2023. Collection method: clinical testing. Allele origin: germline.

Blueprint Genetics
Classification: Uncertain significance. Last evaluated: 2024-08-14. Review status: criteria provided, single submitter. Criteria: ACMG Guidelines, 2015. Collection method: clinical testing. Allele origin: germline.

Illumina Laboratory Services, Illumina
Classification: Uncertain significance for Spinocerebellar ataxia, autosomal recessive, with axonal neuropathy 2. Last evaluated: 2018-01-13. Review status: criteria provided, single submitter. Criteria: ICSL Variant Classification Criteria 13 December 2019. Collection method: clinical testing. Allele origin: germline.

Illumina Laboratory Services, Illumina
Classification: Uncertain significance for Amyotrophic lateral sclerosis type 4. Last evaluated: 2018-01-13. Review status: criteria provided, single submitter. Criteria: ICSL Variant Classification Criteria 13 December 2019. Collection method: clinical testing. Allele origin: germline.

NM_015046.7(SETX):c.7375G>A (p.Ala2459Thr)

Gene: SETX (senataxin; minus strand). Cytogenetic location: 9q34.13.
Variant type: single nucleotide variant.
Coding change: c.7375G>A on transcript NM_015046.7 (MANE Select); coding-DNA position 7375, G replaced by A.
Protein change: p.Ala2459Thr; replaces alanine 2459 with threonine.
Molecular consequence: missense variant.
Genome position (GRCh38, 1-based): chr9:132,264,898, C>T on the plus strand (G>A on the coding strand, the complement: SETX is on the minus strand). VCF-style: chr9-132264898-C-T. GRCh37 (hg19) VCF-style: chr9-135140285-C-T.
Other names: c.7375G>A, p.Ala2459Thr (NM_001351527.2); c.7462G>A, p.Ala2488Thr (NM_001351528.2); short protein forms A2488T, A2459T.
Identifiers: ClinVar variation 913872 (VCV000913872.7), dbSNP rs1182285610, ClinGen allele CA375325774.
Genomic context (GRCh38, chr9:132,264,898, plus strand): 5'-TGGTAGGAGGGTGAGTGAGACTTCTCTGCAGCACAGGCTTGAGTTTCAGAATCTTCACTG[C>T]ATCATGTCTATAGTTTTTGTCACAGGTCTTAATAATGGCACCACGCTTCTGAGCATCCTG-3'
Protein context (NP_055861.3, residues 2449-2469): KTCDKNYRHD[Ala2459Thr]VKILKLKPVL